The following is an entry in ClinVar:

ClinVar aggregate classification (germline): Uncertain significance (1 of 4 stars; one submission).

Conditions:
Myasthenic syndrome, congenital, 22 (CMS22). Also called: PREPL DEFICIENCY. Identifiers: MedGen C4479088, MONDO:0044299, OMIM 616224.

Allele frequency attached by ClinVar (database versions not stated): gnomAD exomes 0.00001 and 0.00004; TOPMed below 0.00001; gnomAD 0.00001.

Submission:

Labcorp Genetics (formerly Invitae), Labcorp
Classification: Uncertain significance for Myasthenic syndrome, congenital, 22. Last evaluated: 2025-08-18. Review status: criteria provided, single submitter. Criteria: Invitae Variant Classification Sherloc (09022015). Collection method: clinical testing. Allele origin: germline.
Comment: This sequence change replaces valine, which is neutral and non-polar, with leucine, which is neutral and non-polar, at codon 498 of the PREPL protein (p.Val498Leu). This variant is present in population databases (no rsID available, gnomAD 0.003%). This variant has not been reported in the literature in individuals affected with PREPL-related conditions. ClinVar contains an entry for this variant (Variation ID: 1399351). Invitae Evidence Modeling of protein sequence and biophysical properties (such as structural, functional, and spatial information, amino acid conservation, physicochemical variation, residue mobility, and thermodynamic stability) indicates that this missense variant is not expected to disrupt PREPL protein function with a negative predictive value of 80%. In summary, the available evidence is currently insufficient to determine the role of this variant in disease. Therefore, it has been classified as a Variant of Uncertain Significance.

NM_001171613.2(PREPL):c.1225G>T (p.Val409Leu)

Gene: PREPL (prolyl endopeptidase like; minus strand). Cytogenetic location: 2p21.
Variant type: single nucleotide variant.
Coding change: c.1225G>T on transcript NM_001171613.2 (MANE Select); coding-DNA position 1225, G replaced by T.
Protein change: p.Val409Leu; replaces valine 409 with leucine.
Molecular consequence: missense variant.
Genome position (GRCh38, 1-based): chr2:44,328,974, C>A on the plus strand (G>T on the coding strand, the complement: PREPL is on the minus strand). VCF-style: chr2-44328974-C-A. GRCh37 (hg19) VCF-style: chr2-44556113-C-A.
Other names: c.1492G>T, p.Val498Leu (NM_006036.4, NM_001171603.1, NM_001171606.2 and 2 more transcripts); c.1306G>T, p.Val436Leu (NM_001042385.2); c.1294G>T, p.Val432Leu (NM_001042386.2); c.1225G>T, p.Val409Leu (NM_001171617.1, NM_001374277.1); short protein forms V409L, V498L, V436L, V432L.
Identifiers: ClinVar variation 1399351 (VCV001399351.5), dbSNP rs1287814553, ClinGen allele CA346690435.